The following is an entry in ClinVar:

NM_006612.6(KIF1C):c.1165+3C>T

Gene: KIF1C (kinesin family member 1C; plus strand). Cytogenetic location: 17p13.2.
Variant type: single nucleotide variant.
Coding change: c.1165+3C>T on transcript NM_006612.6 (MANE Select); 3 bases into the intron after coding-DNA position 1165, C replaced by T.
Molecular consequence: intron variant.
Genome position (GRCh38, 1-based): chr17:5,005,003, C>T. VCF-style: chr17-5005003-C-T. GRCh37 (hg19) VCF-style: chr17-4908298-C-T.
Other names: p.?.
Identifiers: ClinVar variation 845618 (VCV000845618.9), dbSNP rs199890307, ClinGen allele CA8318877.
Genomic context (GRCh38, chr17:5,005,003, plus strand): 5'-GTAGCCCGGCTGCGGGAACTGCTGATGGCTCAGGGACTGTCAGCCTCTGCTCTGGAAGGT[C>T]GAGGTTCCAGGGAGGGGCAGCTCAGGGATGCCCCTTGGCCCACCCCATCCCTCCTCACTT-3'

ClinVar aggregate classification (germline): Conflicting classifications of pathogenicity. Review status: criteria provided, conflicting classifications (1 of 4 stars). 4 submissions from 4 submitters: Uncertain significance (1); Likely benign (1). 2 of the submissions do not count toward it. Last evaluated 2025-10-08.

Conditions:
Spastic ataxia 2. Also called: Ataxia, spastic, 2, autosomal recessive. Identifiers: Orphanet 397946, MedGen C1969796, MONDO:0012651, OMIM 611302.

Allele frequency attached by ClinVar (database versions not stated): gnomAD 0.00030 and 0.00029; gnomAD exomes 0.00044 and 0.00021; 1000 Genomes Project 30x 0.00031; 1000 Genomes Project 0.00020; TOPMed 0.00034; ESP Exome Variant Server 0.00062.
gnomAD v4.1: 686 of 1,614,154 alleles (0.042%); highest among the groups gnomAD compares: Non-Finnish European, 0.054%; no homozygotes.

Submissions (4):

Mayo Clinic Laboratories, Mayo Clinic
Classification: Likely benign. Last evaluated: 2025-10-08. Review status: criteria provided, single submitter. Criteria: ACMG Guidelines, 2015. Collection method: clinical testing. Allele origin: germline. Observed: 1 variant allele.
Comment: BP4, BP7

Labcorp Genetics (formerly Invitae), Labcorp
Classification: Uncertain significance for Spastic ataxia 2. Last evaluated: 2022-07-30. Review status: criteria provided, single submitter. Criteria: Invitae Variant Classification Sherloc (09022015). Collection method: clinical testing. Allele origin: germline.
Comment: This sequence change falls in intron 13 of the KIF1C gene. It does not directly change the encoded amino acid sequence of the KIF1C protein. It affects a nucleotide within the consensus splice site. This variant is present in population databases (rs199890307, gnomAD 0.03%). This variant has not been reported in the literature in individuals affected with KIF1C-related conditions. ClinVar contains an entry for this variant (Variation ID: 845618). Variants that disrupt the consensus splice site are a relatively common cause of aberrant splicing (PMID: 17576681, 9536098). Algorithms developed to predict the effect of sequence changes on RNA splicing suggest that this variant is not likely to affect RNA splicing. In summary, the available evidence is currently insufficient to determine the role of this variant in disease. Therefore, it has been classified as a Variant of Uncertain Significance.

Clinical Genetics DNA and cytogenetics Diagnostics Lab, Erasmus MC, Erasmus Medical Center
Classification: Likely benign. Review status: no assertion criteria provided. Collection method: clinical testing. Allele origin: germline. Affected: yes. Study: VKGL Data-share Consensus. Not counted in ClinVar's aggregate classification.

Diagnostic Laboratory, Department of Genetics, University Medical Center Groningen
Classification: Likely benign. Review status: no assertion criteria provided. Collection method: clinical testing. Allele origin: germline. Affected: yes. Study: VKGL Data-share Consensus. Not counted in ClinVar's aggregate classification.

Literature cited by the submitters: PubMed 17576681 (cited by Labcorp Genetics (formerly Invitae), Labcorp); PubMed 9536098 (cited by Labcorp Genetics (formerly Invitae), Labcorp).